The following is an entry in ClinVar:

ClinVar aggregate classification (germline): Pathogenic. Review status: criteria provided, multiple submitters, no conflicts (2 of 4 stars). 5 submissions from 5 submitters: Pathogenic (5). Last evaluated 2026-03-06.

Conditions:
Cardiovascular phenotype. Identifiers: MedGen CN230736.
Telangiectasia, hereditary hemorrhagic, type 2 (HHT2). Also called: Telangiectasia, hereditary hemorrhagic, type II; ACVRL1-Related Hereditary Hemorrhagic Telangiectasia. Identifiers: Orphanet 774, MedGen C1838163, MONDO:0010880, OMIM 600376. Disease mechanism: loss of function.

Submissions (5):

GeneDx
Classification: Pathogenic. Last evaluated: 2026-03-06. Review status: criteria provided, single submitter. Criteria: GeneDx Variant Classification Process June 2021. Collection method: clinical testing. Allele origin: germline. Affected: yes.
Comment: Canonical splice site variant predicted to result in a null allele in a gene for which loss of function is a known mechanism of disease; Not observed at significant frequency in large population cohorts (gnomAD); This variant is associated with the following publications: (PMID: 25525159, 17384219, 17786384, 18673552, 20067780)

Ambry Genetics
Classification: Pathogenic for Cardiovascular phenotype. Last evaluated: 2024-11-20. Review status: criteria provided, single submitter. Criteria: Ambry Variant Classification Scheme 2023. Collection method: clinical testing. Allele origin: germline.
Comment: The c.525+1G>A intronic pathogenic mutation results from a G to A substitution one nucleotide after coding exon 3 of the ACVRL1 gene. This mutation has been shown to cause a splicing defect. (Gedge F et al. J Mol Diagn. 2007;9(2):258-265). This variant is considered to be rare based on population cohorts in the Genome Aggregation Database (gnomAD). This nucleotide position is highly conserved in available vertebrate species. In silico splice site analysis predicts that this alteration will weaken the native splice donor site. Alterations that disrupt the canonical splice site are expected to cause aberrant splicing, resulting in an abnormal protein or a transcript that is subject to nonsense-mediated mRNA decay. Based on the supporting evidence, this variant is interpreted as a disease-causing mutation.

Neuberg Centre For Genomic Medicine, NCGM
Classification: Pathogenic for Telangiectasia, hereditary hemorrhagic, type 2. Last evaluated: 2023-07-22. Review status: criteria provided, single submitter. Criteria: ACMG Guidelines, 2015. Collection method: clinical testing. Allele origin: germline. Inheritance: Autosomal dominant inheritance. Affected: yes.
Comment: The invariant splice donor variant c.525+1G>A in ACVRL1 gene has been observed in heterozygous state in multiple individuals with hereditary hemorrhagic telangiectasia HHT Fontalba et. al., 2008; Gedge et. al., 2007. The observed variant is absent in gnomAD exomes database. This variant has been submitted to the ClinVar database as Pathogenic multiple submitters. This sequence change affects a donor splice site in intron 4 of the ACVRL1 gene. It is expected to disrupt RNA splicing. Variants that disrupt the donor or acceptor splice site typically lead to a loss of protein function Baralle et. al., 2005, and loss-of-function variants in ACVRL1 are known to be pathogenic Abdalla et. al., 2006. For these reasons, this variant has been classified as Pathogenic.

Labcorp Genetics (formerly Invitae), Labcorp
Classification: Pathogenic for Telangiectasia, hereditary hemorrhagic, type 2. Last evaluated: 2020-05-31. Review status: criteria provided, single submitter. Criteria: Invitae Variant Classification Sherloc (09022015). Collection method: clinical testing. Allele origin: germline.
Comment: This sequence change affects a donor splice site in intron 4 of the ACVRL1 gene. It is expected to disrupt RNA splicing and likely results in an absent or disrupted protein product. Donor and acceptor splice site variants typically lead to a loss of protein function (PMID: 16199547), and loss-of-function variants in ACVRL1 are known to be pathogenic (PMID: 15879500). This variant has been reported in several individuals affected with hereditary hemorrhagic telangiectasia (HHT) (PMID: 17384219, 18673552). ClinVar contains an entry for this variant (Variation ID: 439380). This variant is not present in population databases (ExAC no frequency). For these reasons, this variant has been classified as Pathogenic.

ARUP Laboratories, Molecular Genetics and Genomics, ARUP Laboratories
Classification: Pathogenic. Last evaluated: 2016-10-07. Review status: criteria provided, single submitter. Criteria: ARUP Molecular Germline Variant Investigation Process. Collection method: clinical testing. Allele origin: germline.

Literature cited by the submitters: PubMed 16199547 (cited by Labcorp Genetics (formerly Invitae), Labcorp); PubMed 15879500 (cited by Labcorp Genetics (formerly Invitae), Labcorp); PubMed 17384219 (cited by Labcorp Genetics (formerly Invitae), Labcorp); PubMed 18673552 (cited by Labcorp Genetics (formerly Invitae), Labcorp).

NM_000020.3(ACVRL1):c.525+1G>A

Gene: ACVRL1 (activin A receptor like type 1; plus strand). Cytogenetic location: 12q13.13.
Variant type: single nucleotide variant.
Coding change: c.525+1G>A on transcript NM_000020.3 (MANE Select); the canonical splice donor site of the intron after coding-DNA position 525, G replaced by A.
Molecular consequence: splice donor variant. On other transcripts: intron variant (6).
Genome position (GRCh38, 1-based): chr12:51,913,771, G>A. VCF-style: chr12-51913771-G-A. GRCh37 (hg19) VCF-style: chr12-52307555-G-A.
Other names: c.525+1G>A (NM_001406487.1, NM_001406488.1, NM_001077401.2 and 1 more transcripts); c.313+421G>A (NM_001406491.1, NM_001406490.1, NM_001406492.1 and 2 more transcripts); c.62-668G>A (NM_001406495.1).
Identifiers: ClinVar variation 439380 (VCV000439380.22), dbSNP rs1555152710, ClinGen allele CA384899370.